The following is an entry in ClinVar:

ClinVar aggregate classification (germline): Uncertain significance. Review status: criteria provided, multiple submitters, no conflicts (2 of 4 stars). 3 submissions from 3 submitters: Uncertain significance (3). Last evaluated 2026-07-02.

Conditions:
LSR-related condition.

Allele frequency attached by ClinVar (database versions not stated): ESP Exome Variant Server 0.00008; gnomAD 0.00023; TOPMed 0.00026; 1000 Genomes Project 0.00040; 1000 Genomes Project 30x 0.00062.
gnomAD v4.1: 493 of 1,609,150 alleles (0.031%); highest among the groups gnomAD compares: Non-Finnish European, 0.039%; 1 homozygote.

Submissions (3):

PreventionGenetics, part of Exact Sciences
Classification: Uncertain significance for LSR-related condition. Last evaluated: 2026-07-02. Review status: criteria provided, single submitter. Criteria: ACMG Guidelines, 2015. Collection method: clinical testing. Allele origin: germline.
Comment: The LSR c.1111T>G variant is predicted to result in the amino acid substitution p.Ser371Ala. To our knowledge, this variant has not been reported in the literature. This variant is reported in 0.035% of alleles in individuals of European (Non-Finnish) descent in gnomAD. At this time, the clinical significance of this variant is uncertain due to the absence of conclusive functional and genetic evidence.

Labcorp Genetics (formerly Invitae), Labcorp
Classification: Uncertain significance. Last evaluated: 2025-03-26. Review status: criteria provided, single submitter. Criteria: Invitae Variant Classification Sherloc (09022015). Collection method: clinical testing. Allele origin: germline.
Comment: This sequence change replaces serine, which is neutral and polar, with alanine, which is neutral and non-polar, at codon 371 of the LSR protein (p.Ser371Ala). This variant is present in population databases (rs193300340, gnomAD 0.03%). This variant has not been reported in the literature in individuals affected with LSR-related conditions. ClinVar contains an entry for this variant (Variation ID: 2348815). An algorithm developed to predict the effect of missense changes on protein structure and function (PolyPhen-2) suggests that this variant is likely to be tolerated. In summary, the available evidence is currently insufficient to determine the role of this variant in disease. Therefore, it has been classified as a Variant of Uncertain Significance.

Ambry Genetics
Classification: Uncertain significance. Last evaluated: 2025-01-08. Review status: criteria provided, single submitter. Criteria: Ambry Variant Classification Scheme 2023. Collection method: clinical testing. Allele origin: germline.

NM_205834.4(LSR):c.967T>G (p.Ser323Ala)

Gene: LSR (lipolysis stimulated lipoprotein receptor; plus strand). Cytogenetic location: 19q13.12.
Variant type: single nucleotide variant.
Coding change: c.967T>G on transcript NM_205834.4 (MANE Select); coding-DNA position 967, T replaced by G.
Protein change: p.Ser323Ala; replaces serine 323 with alanine.
Molecular consequence: missense variant.
Genome position (GRCh38, 1-based): chr19:35,266,693, T>G. VCF-style: chr19-35266693-T-G. GRCh37 (hg19) VCF-style: chr19-35757596-T-G.
Other names: c.910T>G, p.Ser304Ala (NM_001260489.2, NM_015925.7); c.643T>G, p.Ser215Ala (NM_001260490.2); c.763T>G, p.Ser255Ala (NM_001385215.1, NM_205835.4); c.1111T>G (NM_205834.3); short protein forms S304A, S255A, S323A, S215A.
Identifiers: ClinVar variation 2348815 (VCV002348815.7), dbSNP rs193300340, ClinGen allele CA9374926.